The following is an entry in ClinVar:

NM_004304.5(ALK):c.2929G>T (p.Gly977Trp)

Gene: ALK (ALK receptor tyrosine kinase; minus strand). Cytogenetic location: 2p23.2.
Variant type: single nucleotide variant.
Coding change: c.2929G>T on transcript NM_004304.5 (MANE Select); coding-DNA position 2929, G replaced by T.
Protein change: p.Gly977Trp; replaces glycine 977 with tryptophan.
Molecular consequence: missense variant.
Genome position (GRCh38, 1-based): chr2:29,227,060, C>A on the plus strand (G>T on the coding strand, the complement: ALK is on the minus strand). VCF-style: chr2-29227060-C-A. GRCh37 (hg19) VCF-style: chr2-29449926-C-A.
Other names: short protein forms G977W.
Identifiers: ClinVar variation 2696369 (VCV002696369.3), dbSNP rs568177600, ClinGen allele CA346468085.

ClinVar aggregate classification (germline): Uncertain significance (1 of 4 stars; one submission).

Conditions:
Neuroblastoma, susceptibility to, 3. Also called: ALK-Related Neuroblastic Tumor Susceptibility. Identifiers: Orphanet 635, MedGen C2751681, MONDO:0013083, OMIM 613014.

Submission:

Labcorp Genetics (formerly Invitae), Labcorp
Classification: Uncertain significance for Neuroblastoma, susceptibility to, 3. Last evaluated: 2023-11-17. Review status: criteria provided, single submitter. Criteria: Invitae Variant Classification Sherloc (09022015). Collection method: clinical testing. Allele origin: germline.
Comment: This sequence change replaces glycine, which is neutral and non-polar, with tryptophan, which is neutral and slightly polar, at codon 977 of the ALK protein (p.Gly977Trp). This variant is not present in population databases (gnomAD no frequency). This variant has not been reported in the literature in individuals affected with ALK-related conditions. An algorithm developed to predict the effect of missense changes on protein structure and function (PolyPhen-2) suggests that this variant is likely to be disruptive. In summary, the available evidence is currently insufficient to determine the role of this variant in disease. Therefore, it has been classified as a Variant of Uncertain Significance.